The following is an entry in ClinVar:

NM_001127178.3(PIGG):c.935C>T (p.Thr312Met)

Gene: PIGG (phosphatidylinositol glycan anchor biosynthesis class G (EMM blood group); plus strand). Cytogenetic location: 4p16.3.
Variant type: single nucleotide variant.
Coding change: c.935C>T on transcript NM_001127178.3 (MANE Select); coding-DNA position 935, C replaced by T.
Protein change: p.Thr312Met; replaces threonine 312 with methionine.
Molecular consequence: missense variant. On other transcripts: 5 prime UTR variant (4), non-coding transcript variant (10).
Genome position (GRCh38, 1-based): chr4:516,006, C>T. VCF-style: chr4-516006-C-T. GRCh37 (hg19) VCF-style: chr4-509795-C-T.
Other names: c.668C>T, p.Thr223Met (NM_001289051.2, NM_001289053.2, NM_001289057.2 and 2 more transcripts); c.536C>T, p.Thr179Met (NM_001289052.2); c.569C>T, p.Thr190Met (NM_001289055.2); c.-95C>T (NM_001345988.2); c.935C>T, p.Thr312Met (NM_001345989.2, NM_017733.5); c.-691C>T (NM_001345990.2); c.-553C>T (NM_001345991.2); c.-278C>T (NM_001345994.2); and 1 more; short protein forms T312M, T223M, T179M, T190M.
Identifiers: ClinVar variation 476357 (VCV000476357.9), dbSNP rs192047092, ClinGen allele CA2793158.

ClinVar aggregate classification (germline): Uncertain significance. Review status: criteria provided, multiple submitters, no conflicts (2 of 4 stars). 2 submissions from 2 submitters: Uncertain significance (2). Last evaluated 2025-08-24.

Conditions:
Inborn genetic diseases. Identifiers: MedGen C0950123, MeSH D030342.
Intellectual disability, autosomal recessive 53 (NEDHSCA). Also called: GLYCOSYLPHOSPHATIDYLINOSITOL BIOSYNTHESIS DEFECT 13; Mental retardation, autosomal recessive 53; NEURODEVELOPMENTAL DISORDER WITH OR WITHOUT HYPOTONIA, SEIZURES, AND CEREBELLAR ATROPHY. Identifiers: Orphanet 488635, MedGen C4310794, MONDO:0014832, OMIM 616917.

Allele frequency attached by ClinVar (database versions not stated): TOPMed 0.00002; ExAC 0.00007; ESP Exome Variant Server 0.00008; gnomAD exomes 0.00010; 1000 Genomes Project 30x 0.00016; 1000 Genomes Project 0.00020.

Submissions (2):

Ambry Genetics
Classification: Uncertain significance for Inborn genetic diseases. Last evaluated: 2025-08-24. Review status: criteria provided, single submitter. Criteria: Ambry Variant Classification Scheme 2023. Collection method: clinical testing. Allele origin: germline.

Labcorp Genetics (formerly Invitae), Labcorp
Classification: Uncertain significance for Intellectual disability, autosomal recessive 53. Last evaluated: 2022-02-10. Review status: criteria provided, single submitter. Criteria: Invitae Variant Classification Sherloc (09022015). Collection method: clinical testing. Allele origin: germline.
Comment: This sequence change replaces threonine, which is neutral and polar, with methionine, which is neutral and non-polar, at codon 312 of the PIGG protein (p.Thr312Met). This variant is present in population databases (rs192047092, gnomAD 0.08%). This variant has not been reported in the literature in individuals affected with PIGG-related conditions. ClinVar contains an entry for this variant (Variation ID: 476357). Algorithms developed to predict the effect of missense changes on protein structure and function are either unavailable or do not agree on the potential impact of this missense change (SIFT: "Tolerated"; PolyPhen-2: "Probably Damaging"; Align-GVGD: "Class C0"). In summary, the available evidence is currently insufficient to determine the role of this variant in disease. Therefore, it has been classified as a Variant of Uncertain Significance.